The following is an entry in ClinVar:

NM_000368.5(TSC1):c.2158C>T (p.Leu720Phe)

Gene: TSC1 (TSC complex subunit 1; minus strand). Cytogenetic location: 9q34.13.
Variant type: single nucleotide variant.
Coding change: c.2158C>T on transcript NM_000368.5 (MANE Select); coding-DNA position 2158, C replaced by T.
Protein change: p.Leu720Phe; replaces leucine 720 with phenylalanine.
Molecular consequence: missense variant.
Genome position (GRCh38, 1-based): chr9:132,903,701, G>A on the plus strand (C>T on the coding strand, the complement: TSC1 is on the minus strand). VCF-style: chr9-132903701-G-A. GRCh37 (hg19) VCF-style: chr9-135779088-G-A.
Other names: c.2155C>T, p.Leu719Phe (NM_001162426.2); c.2005C>T, p.Leu669Phe (NM_001162427.2); c.1795C>T, p.Leu599Phe (NM_001362177.2); short protein forms L599F, L720F, L669F, L719F.
Identifiers: ClinVar variation 1433612 (VCV001433612.6), dbSNP rs2131761582, ClinGen allele CA375360827.

ClinVar aggregate classification (germline): Uncertain significance (1 of 4 stars; one submission).

Conditions:
Tuberous sclerosis 1 (TSC1). Identifiers: Orphanet 805, MedGen C1854465, MONDO:0008612, OMIM 191100.

Allele frequency attached by ClinVar (database versions not stated): gnomAD exomes below 0.00001.
gnomAD v4.1: 1 of 1,613,012 alleles (0.000062%); highest among the groups gnomAD compares: Non-Finnish European, 0.000085%; no homozygotes.

Submission:

Labcorp Genetics (formerly Invitae), Labcorp
Classification: Uncertain significance for Tuberous sclerosis 1. Last evaluated: 2021-10-24. Review status: criteria provided, single submitter. Criteria: Invitae Variant Classification Sherloc (09022015). Collection method: clinical testing. Allele origin: germline.
Comment: This sequence change replaces leucine with phenylalanine at codon 720 of the TSC1 protein (p.Leu720Phe). The leucine residue is moderately conserved and there is a small physicochemical difference between leucine and phenylalanine. In summary, the available evidence is currently insufficient to determine the role of this variant in disease. Therefore, it has been classified as a Variant of Uncertain Significance. Algorithms developed to predict the effect of missense changes on protein structure and function are either unavailable or do not agree on the potential impact of this missense change (SIFT: "Tolerated"; PolyPhen-2: "Probably Damaging"; Align-GVGD: "Class C0"). This variant has not been reported in the literature in individuals affected with TSC1-related conditions. This variant is not present in population databases (ExAC no frequency).